The following is an entry in ClinVar:

NM_001330311.2(DVL1):c.1594del (p.Trp532fs)

Gene: DVL1 (dishevelled segment polarity protein 1; minus strand). Cytogenetic location: 1p36.33.
Variant type: Deletion.
Coding change: c.1594del on transcript NM_001330311.2 (MANE Select); coding-DNA position 1594, one base deleted (T; older notation c.1594delT).
Protein change: p.Trp532fs; shifts the reading frame from tryptophan 532.
Molecular consequence: frameshift variant.
Genome position (GRCh38, 1-based): chr1:1,338,097, A deleted on the plus strand (T on the coding strand, the reverse complement: DVL1 is on the minus strand). VCF-style (leftmost placement, unchanged base first): chr1-1338096-CA-C. GRCh37 (hg19) VCF-style: chr1-1273476-CA-C.
Other names: c.1519del, p.Trp507fs (NM_004421.3); c.1594del (NM_001330311.1); short protein forms W507fs, W532fs.
Identifiers: ClinVar variation 208045 (VCV000208045.11), dbSNP rs797044835, ClinGen allele CA347458.

ClinVar aggregate classification (germline): Pathogenic. Review status: criteria provided, multiple submitters, no conflicts (2 of 4 stars). 7 submissions from 7 submitters: Pathogenic (4). 3 of the submissions do not count toward it. Last evaluated 2025-01-08.

Conditions:
DVL1-related disorders.
Autosomal dominant Robinow syndrome 2. Identifiers: Orphanet 3107, Orphanet 97360, MedGen C4225363, MONDO:0014591, OMIM 616331.

Submissions (7):

Labcorp Genetics (formerly Invitae), Labcorp
Classification: Pathogenic. Last evaluated: 2025-01-08. Review status: criteria provided, single submitter. Criteria: Invitae Variant Classification Sherloc (09022015). Collection method: clinical testing. Allele origin: germline.
Comment: This sequence change creates a premature translational stop signal (p.Trp507Glyfs*142) in the DVL1 gene. While this is not anticipated to result in nonsense mediated decay, it is expected to disrupt the last 164 amino acid(s) of the DVL1 protein. This variant is not present in population databases (gnomAD no frequency). This premature translational stop signal has been observed in individual(s) with Robinow syndrome (PMID: 25817014, 25817016, 35047859). In at least one individual the variant was observed to be de novo. ClinVar contains an entry for this variant (Variation ID: 208045). For these reasons, this variant has been classified as Pathogenic.

Blueprint Genetics
Classification: Pathogenic for DVL1-related disorders. Last evaluated: 2024-09-06. Review status: criteria provided, single submitter. Criteria: ACMG Guidelines, 2015. Collection method: clinical testing. Allele origin: germline. Affected: yes. Observed: 1 variant allele.

GeneDx
Classification: Pathogenic. Last evaluated: 2023-04-20. Review status: criteria provided, single submitter. Criteria: GeneDx Variant Classification Process June 2021. Collection method: clinical testing. Allele origin: germline. Affected: yes.
Comment: Frameshift variant predicted to result in protein truncation, as the last 164 amino acids are replaced with 141 different amino acids, and other loss-of-function variants have been reported downstream in HGMD; Not observed at significant frequency in large population cohorts (gnomAD); Published functional studies suggest a damaging gain of function effect (Bunn et al., 2015); This variant is associated with the following publications: (PMID: 30266093, 25817016, 25817014, 32888393, 33237614, 35047859)

3billion
Classification: Pathogenic for Autosomal dominant Robinow syndrome 2. Last evaluated: 2021-10-02. Review status: criteria provided, single submitter. Criteria: ACMG Guidelines, 2015. Collection method: clinical testing. Allele origin: germline. Affected: yes. Observed: 1 heterozygote.
Comment: Frameshift: predicted to result in a loss or disruption of normal protein function through nonsense-mediated decay (NMD) or protein truncation. Multiple pathogenic variants are reported downstream of the variant (PVS1_VS). It is not observed in the gnomAD v2.1.1 dataset (PM2). The variant was observed as assumed (i.e. paternity and maternity not confirmed) de novoo (3billion dataset, PM6). The variant has been reported as pathogenic/likely pathogenic without evidence for the classification (ClinVar ID: VCV000504195.6). Therefore, this variant is classified as pathogenic according to the recommendation of ACMG/AMP guideline.

Lupski Lab, Baylor-Hopkins CMG, Baylor College of Medicine
Classification: Pathogenic for Autosomal dominant Robinow syndrome 2. Last evaluated: 2020-09-30. Review status: no assertion criteria provided. Collection method: research. Allele origin: de novo. Affected: yes. Observed: 3 variant alleles, 3 heterozygotes. Clinical features observed: Robinow syndrome. Not counted in ClinVar's aggregate classification.

OMIM
Classification: Pathogenic for ROBINOW SYNDROME, AUTOSOMAL DOMINANT 2. Last evaluated: 2015-04-02. Review status: no assertion criteria provided. Collection method: literature only. Allele origin: germline. Not counted in ClinVar's aggregate classification.

GeneReviews
No classification provided. Condition: Autosomal dominant Robinow syndrome 2. Review status: no classification provided. Collection method: literature only. Allele origin: germline. Not counted in ClinVar's aggregate classification.

Literature cited by the submitters: PubMed 25817014 (cited by Labcorp Genetics (formerly Invitae), Labcorp and OMIM); PubMed 25817016 (cited by 3 submitters); PubMed 35047859 (cited by Labcorp Genetics (formerly Invitae), Labcorp); PubMed 25045061 (cited by OMIM).